The following is an entry in ClinVar:

ClinVar aggregate classification (germline): Uncertain significance. Review status: criteria provided, multiple submitters, no conflicts (2 of 4 stars). 2 submissions from 2 submitters: Uncertain significance (2). Last evaluated 2025-07-14.

Conditions:
Inborn genetic diseases. Identifiers: MedGen C0950123, MeSH D030342.

Allele frequency attached by ClinVar (database versions not stated): gnomAD 0.00001; gnomAD exomes 0.00001; TOPMed 0.00001.
gnomAD v4.1: 5 of 1,613,950 alleles (0.00031%); highest among the groups gnomAD compares: Non-Finnish European, 0.00042%; no homozygotes.

Submissions (2):

Ambry Genetics
Classification: Uncertain significance for Inborn genetic diseases. Last evaluated: 2025-07-14. Review status: criteria provided, single submitter. Criteria: Ambry Variant Classification Scheme 2023. Collection method: clinical testing. Allele origin: germline.

GeneDx
Classification: Uncertain significance. Last evaluated: 2019-06-13. Review status: criteria provided, single submitter. Criteria: GeneDx Variant Classification Process June 2021. Collection method: clinical testing. Allele origin: germline. Affected: yes.
Comment: Not observed in large population cohorts (Lek et al., 2016); In silico analysis, which includes protein predictors and evolutionary conservation, supports that this variant does not alter protein structure/function; Has not been previously published as pathogenic or benign to our knowledge

NM_054027.6(ANKH):c.805A>C (p.Ser269Arg)

Gene: ANKH (ANKH inorganic pyrophosphate transport regulator; minus strand). Cytogenetic location: 5p15.2.
Variant type: single nucleotide variant.
Coding change: c.805A>C on transcript NM_054027.6 (MANE Select); coding-DNA position 805, A replaced by C.
Protein change: p.Ser269Arg; replaces serine 269 with arginine.
Molecular consequence: missense variant.
Genome position (GRCh38, 1-based): chr5:14,749,189, T>G on the plus strand (A>C on the coding strand, the complement: ANKH is on the minus strand). VCF-style: chr5-14749189-T-G. GRCh37 (hg19) VCF-style: chr5-14749298-T-G.
Other names: short protein forms S269R.
Identifiers: ClinVar variation 1306478 (VCV001306478.3), dbSNP rs1253325147, ClinGen allele CA359246957.